The following is an entry in ClinVar:

NM_005751.5(AKAP9):c.6148G>A (p.Asp2050Asn)

Gene: AKAP9 (A-kinase anchoring protein 9; plus strand). Cytogenetic location: 7q21.2.
Variant type: single nucleotide variant.
Coding change: c.6148G>A on transcript NM_005751.5 (MANE Select); coding-DNA position 6148, G replaced by A.
Protein change: p.Asp2050Asn; replaces aspartic acid 2050 with asparagine.
Molecular consequence: missense variant.
Genome position (GRCh38, 1-based): chr7:92,065,401, G>A. VCF-style: chr7-92065401-G-A. GRCh37 (hg19) VCF-style: chr7-91694715-G-A.
Other names: c.793G>A, p.Asp265Asn (NM_001379277.1); c.6148G>A, p.Asp2050Asn (NM_147185.3); short protein forms D2050N, D265N.
Identifiers: ClinVar variation 1751861 (VCV001751861.2), dbSNP rs1039863676, ClinGen allele CA161915341.
Genomic context (GRCh38, chr7:92,065,401, plus strand): 5'-GTGGAAGAACAAGTCAGTAGGTTTATAGAGCTGGAACAAGAAAAAAATACTGAACTAATG[G>A]ATTTAAGACAGCAAAACCAAGCATTGGAAAAGCAGTTAGAAAAAATGAGAAAATTTTTAG-3'
Protein context (NP_005742.4, residues 2040-2060): LEQEKNTELM[Asp2050Asn]LRQQNQALEK

ClinVar aggregate classification (germline): Uncertain significance (1 of 4 stars; one submission).

Conditions:
Cardiovascular phenotype. Identifiers: MedGen CN230736.

Allele frequency attached by ClinVar (database versions not stated): gnomAD 0.00001.

Submission:

Ambry Genetics
Classification: Uncertain significance for Cardiovascular phenotype. Last evaluated: 2020-03-16. Review status: criteria provided, single submitter. Criteria: Ambry Variant Classification Scheme 2023. Collection method: clinical testing. Allele origin: germline.
Comment: The p.D2050N variant (also known as c.6148G>A), located in coding exon 25 of the AKAP9 gene, results from a G to A substitution at nucleotide position 6148. The aspartic acid at codon 2050 is replaced by asparagine, an amino acid with highly similar properties. This amino acid position is highly conserved in available vertebrate species. In addition, this alteration is predicted to be tolerated by in silico analysis. Since supporting evidence is limited at this time, the clinical significance of this alteration remains unclear.